The following is an entry in ClinVar:

ClinVar aggregate classification (germline): Uncertain significance (1 of 4 stars; one submission).

Conditions:
PRPH2-related disorder. Also called: PRPH2-related condition; PRPH2-related disorders. Identifiers: MedGen CN239395.

Submission:

Labcorp Genetics (formerly Invitae), Labcorp
Classification: Uncertain significance for PRPH2-related disorder. Last evaluated: 2025-09-10. Review status: criteria provided, single submitter. Criteria: Invitae Variant Classification Sherloc (09022015). Collection method: clinical testing. Allele origin: germline.
Comment: This variant, c.215_217del, is a complex sequence change that results in the deletion of 2 and insertion of 1 amino acid(s) in the PRPH2 protein (p.Cys72_Val73delinsPhe). This variant is not present in population databases (gnomAD no frequency). This variant has not been reported in the literature in individuals affected with PRPH2-related conditions. Experimental studies and prediction algorithms are not available or were not evaluated, and the functional significance of this variant is currently unknown. In summary, the available evidence is currently insufficient to determine the role of this variant in disease. Therefore, it has been classified as a Variant of Uncertain Significance.

NM_000322.5(PRPH2):c.215_217del (p.Cys72_Val73delinsPhe)

Gene: PRPH2 (peripherin 2; minus strand). Cytogenetic location: 6p21.1.
Variant type: Deletion.
Coding change: c.215_217del on transcript NM_000322.5 (MANE Select); coding-DNA positions 215 to 217, 3 bases deleted (GTG; older notation c.215_217delGTG).
Protein change: p.Cys72_Val73delinsPhe.
Molecular consequence: inframe indel.
Genome position (GRCh38, 1-based): chr6:42,722,118-42,722,120, CAC deleted on the plus strand (GTG on the coding strand, the reverse complement: PRPH2 is on the minus strand). VCF-style (leftmost placement, unchanged base first): chr6-42722117-ACAC-A. GRCh37 (hg19) VCF-style: chr6-42689855-ACAC-A.
Identifiers: ClinVar variation 4719782 (VCV004719782.1).